The following is an entry in ClinVar:

NM_182972.3(IRF2BP2):c.704A>T (p.His235Leu)

Genes: IRF2BP2 (interferon regulatory factor 2 binding protein 2; minus strand), LOC129932811 (ATAC-STARR-seq lymphoblastoid silent region 1976; plus strand). Cytogenetic location: 1q42.3.
Variant type: single nucleotide variant.
Coding change: c.704A>T on transcript NM_182972.3 (MANE Select); coding-DNA position 704, A replaced by T.
Protein change: p.His235Leu; replaces histidine 235 with leucine.
Molecular consequence: missense variant.
Genome position (GRCh38, 1-based): chr1:234,608,791, T>A on the plus strand (A>T on the coding strand, the complement: IRF2BP2 is on the minus strand). VCF-style: chr1-234608791-T-A. GRCh37 (hg19) VCF-style: chr1-234744537-T-A.
Other names: c.704A>T, p.His235Leu (NM_001077397.1); short protein forms H235L.
Identifiers: ClinVar variation 2870394 (VCV002870394.3), dbSNP rs978909389, ClinGen allele CA345308893.

ClinVar aggregate classification (germline): Uncertain significance (1 of 4 stars; one submission).

Submission:

Labcorp Genetics (formerly Invitae), Labcorp
Classification: Uncertain significance. Last evaluated: 2023-02-06. Review status: criteria provided, single submitter. Criteria: Invitae Variant Classification Sherloc (09022015). Collection method: clinical testing. Allele origin: germline.
Comment: Algorithms developed to predict the effect of missense changes on protein structure and function are either unavailable or do not agree on the potential impact of this missense change (SIFT: "Tolerated"; PolyPhen-2: "Possibly Damaging"; Align-GVGD: "Class C0"). This sequence change replaces histidine, which is basic and polar, with leucine, which is neutral and non-polar, at codon 235 of the IRF2BP2 protein (p.His235Leu). This variant is not present in population databases (gnomAD no frequency). This variant has not been reported in the literature in individuals affected with IRF2BP2-related conditions. In summary, the available evidence is currently insufficient to determine the role of this variant in disease. Therefore, it has been classified as a Variant of Uncertain Significance.